The following is an entry in ClinVar:

ClinVar aggregate classification (germline): Uncertain significance (1 of 4 stars; one submission).

Allele frequency attached by ClinVar (database versions not stated): gnomAD exomes below 0.00001; ExAC 0.00001.
gnomAD v4.1: 1 of 1,613,650 alleles (0.000062%); highest among the groups gnomAD compares: Non-Finnish European, 0.000085%; no homozygotes.

Submission:

Labcorp Genetics (formerly Invitae), Labcorp
Classification: Uncertain significance. Last evaluated: 2022-08-29. Review status: criteria provided, single submitter. Criteria: Invitae Variant Classification Sherloc (09022015). Collection method: clinical testing. Allele origin: germline.
Comment: In summary, the available evidence is currently insufficient to determine the role of this variant in disease. Therefore, it has been classified as a Variant of Uncertain Significance. Variants that disrupt the consensus splice site are a relatively common cause of aberrant splicing (PMID: 17576681, 9536098). Algorithms developed to predict the effect of sequence changes on RNA splicing suggest that this variant is not likely to affect RNA splicing. This variant has not been reported in the literature in individuals affected with CACNA2D4-related conditions. The frequency data for this variant in the population databases is considered unreliable, as metrics indicate poor data quality at this position in the gnomAD database. This sequence change falls in intron 13 of the CACNA2D4 gene. It does not directly change the encoded amino acid sequence of the CACNA2D4 protein. It affects a nucleotide within the consensus splice site.

Literature cited by the submitters: PubMed 17576681; PubMed 9536098.

NM_172364.5(CACNA2D4):c.1485+3G>A

Gene: CACNA2D4 (calcium voltage-gated channel auxiliary subunit alpha2delta 4; minus strand). Cytogenetic location: 12p13.33.
Variant type: single nucleotide variant.
Coding change: c.1485+3G>A on transcript NM_172364.5 (MANE Select); 3 bases into the intron after coding-DNA position 1485, G replaced by A.
Molecular consequence: intron variant.
Genome position (GRCh38, 1-based): chr12:1,882,864, C>T on the plus strand (G>A on the coding strand, the complement: CACNA2D4 is on the minus strand). VCF-style: chr12-1882864-C-T. GRCh37 (hg19) VCF-style: chr12-1992030-C-T.
Identifiers: ClinVar variation 2027762 (VCV002027762.4), dbSNP rs773441141, ClinGen allele CA6387124.